The following is an entry in ClinVar:

NM_198129.4(LAMA3):c.8374C>T (p.Gln2792Ter)

Gene: LAMA3 (laminin subunit alpha 3; plus strand). Cytogenetic location: 18q11.2.
Variant type: single nucleotide variant.
Coding change: c.8374C>T on transcript NM_198129.4 (MANE Select); coding-DNA position 8374, C replaced by T.
Protein change: p.Gln2792Ter; replaces glutamine 2792 with a stop codon.
Molecular consequence: nonsense.
Genome position (GRCh38, 1-based): chr18:23,928,703, C>T. VCF-style: chr18-23928703-C-T. GRCh37 (hg19) VCF-style: chr18-21508667-C-T.
Other names: c.3547C>T, p.Gln1183Ter (NM_000227.6); c.8206C>T, p.Gln2736Ter (NM_001127717.4); c.3379C>T, p.Gln1127Ter (NM_001127718.4); short protein forms Q2792*, Q1127*, Q2736*, Q1183*.
Identifiers: ClinVar variation 2760754 (VCV002760754.3), dbSNP rs1033921573, ClinGen allele CA402064047.
Genomic context (GRCh38, chr18:23,928,703, plus strand): 5'-TTCTCCAGAGGAGGACAATTGAGTTTCACTGATTTGGGCTTACCACCTACTGACCACCTC[C>T]AGGCCTCATTTGGATTTCAGACCTTTCAACCCAGTGGCATATTATTAGATCATCAGACAT-3'

ClinVar aggregate classification (germline): Pathogenic (1 of 4 stars; one submission).

Submission:

Labcorp Genetics (formerly Invitae), Labcorp
Classification: Pathogenic. Last evaluated: 2023-09-14. Review status: criteria provided, single submitter. Criteria: Invitae Variant Classification Sherloc (09022015). Collection method: clinical testing. Allele origin: germline.
Comment: This sequence change creates a premature translational stop signal (p.Gln1183*) in the LAMA3 gene. It is expected to result in an absent or disrupted protein product. Loss-of-function variants in LAMA3 are known to be pathogenic (PMID: 10366601, 11810295, 12915477, 16473856, 17362460, 22434185, 23869449, 27827380, 28087116). This variant is not present in population databases (gnomAD no frequency). This variant has not been reported in the literature in individuals affected with LAMA3-related conditions. Algorithms developed to predict the effect of sequence changes on RNA splicing suggest that this variant may disrupt the consensus splice site. For these reasons, this variant has been classified as Pathogenic.

Literature cited by the submitters: PubMed 10366601; PubMed 11810295; PubMed 12915477; PubMed 16473856; PubMed 17362460; PubMed 22434185; PubMed 23869449; PubMed 27827380; PubMed 28087116.